The following is an entry in ClinVar:

ClinVar aggregate classification (germline): Conflicting classifications of pathogenicity. Review status: criteria provided, conflicting classifications (1 of 4 stars). 2 submissions from 2 submitters: Uncertain significance (1); Likely benign (1). Last evaluated 2023-10-26.

Conditions:
Familial cancer of breast. Also called: Hereditary breast cancer; BREAST CANCER, FAMILIAL; hereditary breast carcinoma. Identifiers: Orphanet 227535, MedGen C0346153, MONDO:0016419, OMIM 114480. Disease mechanism: loss of function.
Hereditary cancer-predisposing syndrome. Also called: Hereditary Cancer Syndrome; Tumor predisposition; Neoplastic Syndromes, Hereditary; Hereditary neoplastic syndrome. Identifiers: Orphanet 140162, MedGen C0027672, MeSH D009386, MONDO:0015356.

Submissions (2):

Ambry Genetics
Classification: Likely benign for Hereditary cancer-predisposing syndrome. Last evaluated: 2023-10-26. Review status: criteria provided, single submitter. Criteria: Ambry Variant Classification Scheme 2023. Collection method: clinical testing. Allele origin: germline.

Labcorp Genetics (formerly Invitae), Labcorp
Classification: Uncertain significance for Familial cancer of breast. Last evaluated: 2019-01-31. Review status: criteria provided, single submitter. Criteria: Invitae Variant Classification Sherloc (09022015). Collection method: clinical testing. Allele origin: germline.
Comment: In summary, the available evidence is currently insufficient to determine the role of this variant in disease. Therefore, it has been classified as a Variant of Uncertain Significance. Algorithms developed to predict the effect of missense changes on protein structure and function (SIFT, PolyPhen-2, Align-GVGD) all suggest that this variant is likely to be tolerated, but these predictions have not been confirmed by published functional studies and their clinical significance is uncertain. This variant has not been reported in the literature in individuals with PALB2-related conditions. This variant is not present in population databases (ExAC no frequency). This sequence change replaces alanine with glycine at codon 523 of the PALB2 protein (p.Ala523Gly). The alanine residue is weakly conserved and there is a small physicochemical difference between alanine and glycine.

NM_024675.4(PALB2):c.1568C>G (p.Ala523Gly)

Gene: PALB2 (partner and localizer of BRCA2; minus strand). Cytogenetic location: 16p12.2.
Variant type: single nucleotide variant.
Coding change: c.1568C>G on transcript NM_024675.4 (MANE Select); coding-DNA position 1568, C replaced by G.
Protein change: p.Ala523Gly; replaces alanine 523 with glycine.
Molecular consequence: missense variant.
Genome position (GRCh38, 1-based): chr16:23,634,978, G>C on the plus strand (C>G on the coding strand, the complement: PALB2 is on the minus strand). VCF-style: chr16-23634978-G-C. GRCh37 (hg19) VCF-style: chr16-23646299-G-C.
Other names: short protein forms A523G.
Identifiers: ClinVar variation 864274 (VCV000864274.11), dbSNP rs1966956742, ClinGen allele CA395130717.